The following is an entry in ClinVar:

NM_004646.4(NPHS1):c.1020del (p.Ser341fs)

Gene: NPHS1 (NPHS1 adhesion molecule, nephrin; minus strand). Cytogenetic location: 19q13.12.
Variant type: Deletion.
Coding change: c.1020del on transcript NM_004646.4 (MANE Select); coding-DNA position 1020, one base deleted (T; older notation c.1020delT).
Protein change: p.Ser341fs; shifts the reading frame from serine 341.
Molecular consequence: frameshift variant.
Genome position (GRCh38, 1-based): chr19:35,848,787, A deleted on the plus strand (T on the coding strand, the reverse complement: NPHS1 is on the minus strand). VCF-style (leftmost placement, unchanged base first): chr19-35848786-TA-T. GRCh37 (hg19) VCF-style: chr19-36339688-TA-T.
Other names: c.1020delT (NM_004646.3); short protein forms S341fs.
Identifiers: ClinVar variation 496269 (VCV000496269.15), dbSNP rs1555763372, ClinGen allele CA658684230.
Genomic context (GRCh38, chr19:35,848,786, plus strand): 5'-AGGAGAGTGTCACGTTCTTGTTCTCAGTCTGGGATGCAGATCCCAAGATAATAATGGCAC[TA>T]GGGGGAACTGCAGGGACAGAGAAGGAAGACACTAAGCTGGGCTGGATTTCTCACAGACCA-3'

ClinVar aggregate classification (germline): Pathogenic/Likely pathogenic. Review status: criteria provided, multiple submitters, no conflicts (2 of 4 stars). 8 submissions from 8 submitters: Pathogenic (5); Likely pathogenic (2). 1 of the submissions does not count toward it. Last evaluated 2024-08-22.

Conditions:
Finnish congenital nephrotic syndrome (NPHS1). Also called: NEPHROTIC SYNDROME, TYPE 1. Identifiers: Orphanet 839, MedGen C0403399, MONDO:0009732, OMIM 256300.
NPHS1-related disorder. Also called: NPHS1-related condition.

Allele frequency attached by ClinVar (database versions not stated): gnomAD exomes below 0.00001.

Submissions (8):

Natera, Inc.
Classification: Pathogenic for Finnish congenital nephrotic syndrome. Last evaluated: 2024-08-22. Review status: criteria provided, single submitter. Criteria: Natera Variant Classification Schema (03/2026). Collection method: clinical testing. Allele origin: germline.
Comment: The c.1020delT variant in NPHS1 is a frameshift variant predicted to shift the reading frame beginning at codon 341 and leads to a stop codon 17 codons downstream. This variant is expected to result in nonsense mediated decay, truncation, or a dysfunctional protein product. This variant is rare in the general population with a frequency below the threshold expected for the associated phenotype(s). This variant has been observed in one or more individuals affected with the associated recessive disease, as either homozygous or compound heterozygous with a second variant (PMID: 35278126, 25349199). Given the available evidence, this variant is classified as Pathogenic.

Baylor Genetics
Classification: Pathogenic for Finnish congenital nephrotic syndrome. Last evaluated: 2023-11-18. Review status: criteria provided, single submitter. Criteria: ACMG Guidelines, 2015. Collection method: clinical testing. Allele origin: unknown.

Revvity Omics, Revvity
Classification: Pathogenic for Finnish congenital nephrotic syndrome. Last evaluated: 2023-02-17. Review status: criteria provided, single submitter. Criteria: ACMG Guidelines, 2015. Collection method: clinical testing. Allele origin: germline.

Labcorp Genetics (formerly Invitae), Labcorp
Classification: Pathogenic. Last evaluated: 2022-08-20. Review status: criteria provided, single submitter. Criteria: Invitae Variant Classification Sherloc (09022015). Collection method: clinical testing. Allele origin: germline.
Comment: For these reasons, this variant has been classified as Pathogenic. ClinVar contains an entry for this variant (Variation ID: 496269). This premature translational stop signal has been observed in individual(s) with steroid-resistant nephrotic syndrome (PMID: 25349199). This variant is not present in population databases (gnomAD no frequency). This sequence change creates a premature translational stop signal (p.Ser341Valfs*17) in the NPHS1 gene. It is expected to result in an absent or disrupted protein product. Loss-of-function variants in NPHS1 are known to be pathogenic (PMID: 11317351, 11854170, 12039988).

Fulgent Genetics
Classification: Likely pathogenic for Finnish congenital nephrotic syndrome. Last evaluated: 2021-06-30. Review status: criteria provided, single submitter. Criteria: ACMG Guidelines, 2015. Collection method: clinical testing. Allele origin: unknown.
Comment: This variant has been detected in individual(s) who were sent for testing of Renasight - kidney gene panel.

Blueprint Genetics
Classification: Pathogenic for NPHS1-related disorders. Last evaluated: 2017-08-28. Review status: criteria provided, single submitter. Criteria: ACMG Guidelines, 2015. Collection method: clinical testing. Allele origin: germline. Affected: yes. Observed: 1 variant allele.

Women's Health and Genetics/Laboratory Corporation of America, LabCorp
Classification: Likely pathogenic for Finnish congenital nephrotic syndrome. Last evaluated: 2017-05-25. Review status: criteria provided, single submitter. Criteria: LabCorp Variant Classification Summary - May 2015. Collection method: clinical testing. Allele origin: germline.
Comment: Variant summary: The NPHS1 c.1020delT (p.Ser341Valfs) variant results in a premature termination codon, predicted to cause a truncated or absent NPHS1 protein due to nonsense mediated decay, which are commonly known mechanisms for disease. Truncations downstream of this position have been classified as pathogenic by our laboratory (e.g. p.Arg1109X and p.Arg1160X). This variant is absent in 121118 control chromosomes from ExAC. This variant has been reported in two patients with Nephrotic Syndrome, one of whom was known to be homozygous for this variant and had steroid-resistant nephrotic syndrome (Machuca_2010, Sadowski_2015). One database (HGMD) considers it as disease-causing. Based on the currently available data, this variant is classified as likely pathogenic.

Counsyl
Classification: Likely pathogenic for Finnish congenital nephrotic syndrome. Last evaluated: 2018-02-06. Review status: no assertion criteria provided. Collection method: clinical testing. Allele origin: unknown. Not counted in ClinVar's aggregate classification.

Literature cited by the submitters: PubMed 35278126 (cited by Natera, Inc.); PubMed 25349199 (cited by 3 submitters); PubMed 11317351 (cited by Labcorp Genetics (formerly Invitae), Labcorp); PubMed 11854170 (cited by Labcorp Genetics (formerly Invitae), Labcorp); PubMed 12039988 (cited by Labcorp Genetics (formerly Invitae), Labcorp); PubMed 20507940 (cited by Women's Health and Genetics/Laboratory Corporation of America, LabCorp and Counsyl).